The following is an entry in ClinVar:

ClinVar aggregate classification (germline): Pathogenic (1 of 4 stars; one submission).

Submission:

Labcorp Genetics (formerly Invitae), Labcorp
Classification: Pathogenic. Last evaluated: 2023-05-31. Review status: criteria provided, single submitter. Criteria: Invitae Variant Classification Sherloc (09022015). Collection method: clinical testing. Allele origin: germline.
Comment: For these reasons, this variant has been classified as Pathogenic. This variant has not been reported in the literature in individuals affected with ALPK3-related conditions. This variant is not present in population databases (gnomAD no frequency). This sequence change creates a premature translational stop signal (p.Ser702Phefs*71) in the ALPK3 gene. It is expected to result in an absent or disrupted protein product. Loss-of-function variants in ALPK3 are known to be pathogenic (PMID: 21441111, 26846950, 27106955, 34263907).

Literature cited by the submitters: PubMed 21441111; PubMed 26846950; PubMed 27106955; PubMed 34263907.

NM_020778.5(ALPK3):c.1498dup (p.Ser500fs)

Genes: ALPK3 (alpha kinase 3; plus strand), LOC111718493 (skeletal muscle cis-regulatory module overlapping ALPK3; plus strand). Cytogenetic location: 15q25.3.
Variant type: Duplication.
Coding change: c.1498dup on transcript NM_020778.5 (MANE Select); coding-DNA position 1498, one base duplicated (T; older notation c.1498dupT).
Protein change: p.Ser500fs; shifts the reading frame from serine 500.
Molecular consequence: frameshift variant.
Genome position (GRCh38, 1-based): chr15:84,840,777, T duplicated; the last of 3 consecutive T bases (chr15:84,840,775-84,840,777); duplicating any one gives the same sequence. VCF-style (leftmost placement, unchanged base first): chr15-84840774-A-AT. GRCh37 (hg19) VCF-style: chr15-85384005-A-AT.
Other names: short protein forms S500fs.
Identifiers: ClinVar variation 2753162 (VCV002753162.3), dbSNP rs2505706790, ClinGen allele CA2697549431.